The following is an entry in ClinVar:

ClinVar aggregate classification (germline): Uncertain significance. Review status: criteria provided, single submitter (1 of 4 stars). 2 submissions from 2 submitters: Uncertain significance (1). 1 of the submissions does not count toward it. Last evaluated 2016-08-11.

Conditions:
Dystrophin deficiency.
Cardiovascular phenotype. Identifiers: MedGen CN230736.

Submissions (2):

Ambry Genetics
Classification: Uncertain significance for Cardiovascular phenotype. Last evaluated: 2016-08-11. Review status: criteria provided, single submitter. Criteria: Ambry Variant Classification Scheme 2023. Collection method: clinical testing. Allele origin: germline.
Comment: The p.Q1432H variant (also known as c.4296G>T), located in coding exon 31 of the DMD gene, results from a G to T substitution at nucleotide position 4296. The glutamine at codon 1432 is replaced by histidine, an amino acid with highly similar properties. This variant was not reported in population based cohorts in the following databases: Database of Single Nucleotide Polymorphisms (dbSNP), NHLBI Exome Sequencing Project (ESP), and 1000 Genomes Project. In the ESP, this variant was not observed in 6502 samples with coverage at this position. This amino acid position is not well conserved in available vertebrate species. In addition, this alteration is predicted to be tolerated by in silico analysis. Since supporting evidence is limited at this time, the clinical significance of this alteration remains unclear.

Natera, Inc.
Classification: Uncertain significance for Dystrophin deficiency. Last evaluated: 2020-09-16. Review status: no assertion criteria provided. Collection method: clinical testing. Allele origin: germline. Not counted in ClinVar's aggregate classification.

NM_004006.3(DMD):c.4296G>T (p.Gln1432His)

Gene: DMD (dystrophin; minus strand). Cytogenetic location: Xp21.1.
Variant type: single nucleotide variant.
Coding change: c.4296G>T on transcript NM_004006.3 (MANE Select); coding-DNA position 4296, G replaced by T.
Protein change: p.Gln1432His; replaces glutamine 1432 with histidine.
Molecular consequence: missense variant.
Genome position (GRCh38, 1-based): chrX:32,390,119, C>A on the plus strand (G>T on the coding strand, the complement: DMD is on the minus strand). VCF-style: chrX-32390119-C-A. GRCh37 (hg19) VCF-style: chrX-32408236-C-A.
Other names: c.4272G>T, p.Gln1424His (NM_000109.4); c.4284G>T, p.Gln1428His (NM_004009.3); c.3927G>T, p.Gln1309His (NM_004010.3); c.273G>T, p.Gln91His (NM_004011.4); c.264G>T, p.Gln88His (NM_004012.4); short protein forms Q1432H, Q1424H, Q1309H, Q1428H, Q88H, Q91H.
Identifiers: ClinVar variation 518552 (VCV000518552.6), dbSNP rs747262903, ClinGen allele CA412664030.